The following is an entry in ClinVar:

NM_016507.4(CDK12):c.151A>G (p.Lys51Glu)

Genes: CDK12 (cyclin dependent kinase 12; plus strand), LOC126862553 (CDK7 strongly-dependent group 2 enhancer GRCh37_chr17:37618166-37619365; plus strand). Cytogenetic location: 17q12.
Variant type: single nucleotide variant.
Coding change: c.151A>G on transcript NM_016507.4 (MANE Select); coding-DNA position 151, A replaced by G.
Protein change: p.Lys51Glu; replaces lysine 51 with glutamic acid.
Molecular consequence: missense variant.
Genome position (GRCh38, 1-based): chr17:39,462,222, A>G. VCF-style: chr17-39462222-A-G. GRCh37 (hg19) VCF-style: chr17-37618475-A-G.
Other names: c.151A>G, p.Lys51Glu (NM_015083.4); short protein forms K51E.
Identifiers: ClinVar variation 4841679 (VCV004841679.1).

ClinVar aggregate classification (germline): Uncertain significance (1 of 4 stars; one submission).

gnomAD v4.1: 2 of 1,614,072 alleles (0.00012%); highest among the groups gnomAD compares: Admixed American, 0.0017%; no homozygotes.

Submission:

Ambry Genetics
Classification: Uncertain significance. Last evaluated: 2025-12-21. Review status: criteria provided, single submitter. Criteria: Ambry Variant Classification Scheme 2023. Collection method: clinical testing. Allele origin: germline.
Comment: The p.K51E variant (also known as c.151A>G), located in coding exon 1 of the CDK12 gene, results from an A to G substitution at nucleotide position 151. The lysine at codon 51 is replaced by glutamic acid, an amino acid with similar properties. This amino acid position is conserved. In addition, the in silico prediction for this alteration is inconclusive. Based on the available evidence, the clinical significance of this variant remains unclear.